The following is an entry in ClinVar:

ClinVar aggregate classification (germline): Uncertain significance (1 of 4 stars; one submission).

Conditions:
Episodic ataxia type 1 (EA1). Also called: PAROXYSMAL ATAXIA WITH NEUROMYOTONIA, HEREDITARY; ATAXIA, EPISODIC, WITH MYOKYMIA; Episodic ataxia/myokymia syndrome; MYOKYMIA WITH PERIODIC ATAXIA. Identifiers: Orphanet 37612, Orphanet 972, MedGen C1719788, MONDO:0008047, OMIM 160120.

Submission:

Labcorp Genetics (formerly Invitae), Labcorp
Classification: Uncertain significance for Episodic ataxia type 1. Last evaluated: 2021-04-03. Review status: criteria provided, single submitter. Criteria: Invitae Variant Classification Sherloc (09022015). Collection method: clinical testing. Allele origin: germline.
Comment: In summary, the available evidence is currently insufficient to determine the role of this variant in disease. Therefore, it has been classified as a Variant of Uncertain Significance. Experimental studies and prediction algorithms are not available or were not evaluated, and the functional significance of this variant is currently unknown. This variant has not been reported in the literature in individuals with KCNA1-related conditions. This variant is not present in population databases (ExAC no frequency). This variant, c.101_102insCGTCCACGA, results in the insertion of 3 amino acid(s) to the KCNA1 protein (p.His33_Glu34insAspValHis), but otherwise preserves the integrity of the reading frame.

NM_000217.3(KCNA1):c.101_102insCGTCCACGA (p.His33_Glu34insAspValHis)

Gene: KCNA1 (potassium voltage-gated channel subfamily A member 1; plus strand). Cytogenetic location: 12p13.32.
Variant type: Insertion.
Coding change: c.101_102insCGTCCACGA on transcript NM_000217.3 (MANE Select); coding-DNA positions 101 to 102, CGTCCACGA inserted.
Protein change: p.His33_Glu34insAspValHis.
Molecular consequence: inframe insertion.
Genome position: GRCh38 VCF-style: chr12-4911473-A-ACCACGACGT. GRCh37 (hg19) VCF-style: chr12-5020639-A-ACCACGACGT.
Identifiers: ClinVar variation 1384431 (VCV001384431.8), dbSNP rs2137672775, ClinGen allele CA2573148459.